The following is an entry in ClinVar:

ClinVar aggregate classification (germline): Uncertain significance. Review status: criteria provided, multiple submitters, no conflicts (2 of 4 stars). 2 submissions from 2 submitters: Uncertain significance (2). Last evaluated 2025-09-22.

Conditions:
Inborn genetic diseases. Identifiers: MedGen C0950123, MeSH D030342.

Allele frequency attached by ClinVar (database versions not stated): TOPMed below 0.00001; ExAC 0.00001; gnomAD 0.00001; gnomAD exomes 0.00001.
gnomAD v4.1: 14 of 1,614,046 alleles (0.00087%); highest among the groups gnomAD compares: Middle Eastern, 0.016%; no homozygotes.

Submissions (2):

Labcorp Genetics (formerly Invitae), Labcorp
Classification: Uncertain significance. Last evaluated: 2025-09-22. Review status: criteria provided, single submitter. Criteria: Invitae Variant Classification Sherloc (09022015). Collection method: clinical testing. Allele origin: germline.
Comment: This sequence change replaces leucine, which is neutral and non-polar, with serine, which is neutral and polar, at codon 801 of the ADAMTS17 protein (p.Leu801Ser). This variant is not present in population databases (gnomAD no frequency). This variant has not been reported in the literature in individuals affected with ADAMTS17-related conditions. ClinVar contains an entry for this variant (Variation ID: 2393620). An algorithm developed to predict the effect of missense changes on protein structure and function (PolyPhen-2) suggests that this variant is likely to be tolerated. In summary, the available evidence is currently insufficient to determine the role of this variant in disease. Therefore, it has been classified as a Variant of Uncertain Significance.

Ambry Genetics
Classification: Uncertain significance for Inborn genetic diseases. Last evaluated: 2022-07-05. Review status: criteria provided, single submitter. Criteria: Ambry Variant Classification Scheme 2023. Collection method: clinical testing. Allele origin: germline.

NM_139057.4(ADAMTS17):c.2402T>C (p.Leu801Ser)

Gene: ADAMTS17 (ADAM metallopeptidase with thrombospondin type 1 motif 17; minus strand). Cytogenetic location: 15q26.3.
Variant type: single nucleotide variant.
Coding change: c.2402T>C on transcript NM_139057.4 (MANE Select); coding-DNA position 2402, T replaced by C.
Protein change: p.Leu801Ser; replaces leucine 801 with serine.
Molecular consequence: missense variant.
Genome position (GRCh38, 1-based): chr15:100,051,625, A>G on the plus strand (T>C on the coding strand, the complement: ADAMTS17 is on the minus strand). VCF-style: chr15-100051625-A-G. GRCh37 (hg19) VCF-style: chr15-100591830-A-G.
Other names: short protein forms L801S.
Identifiers: ClinVar variation 2393620 (VCV002393620.3), dbSNP rs761666524, ClinGen allele CA7757745.
Genomic context (GRCh38, chr15:100,051,625, plus strand): 5'-CACTCACCTCCGCCGCACTGCACACTGCACCCTTCCCAGCCGCTGTGGGTCCAGATGAAC[A>G]AAGAGTCCTGCGGTTTTTCTGGTTCGCTTTGATTTTCCGCAGTGCGGTTTACAGGAACAG-3'
Protein context (NP_620688.2, residues 791-811): QSEPEKPQDS[Leu801Ser]FIWTHSGWEG